The following is an entry in ClinVar:

NM_001034853.2(RPGR):c.1366C>T (p.Gln456Ter)

Gene: RPGR (retinitis pigmentosa GTPase regulator; minus strand). Cytogenetic location: Xp11.4.
Variant type: single nucleotide variant.
Coding change: c.1366C>T on transcript NM_001034853.2 (MANE Select); coding-DNA position 1366, C replaced by T.
Protein change: p.Gln456Ter; replaces glutamine 456 with a stop codon.
Molecular consequence: nonsense. On other transcripts: non-coding transcript variant (6).
Genome position (GRCh38, 1-based): chrX:38,297,332, G>A on the plus strand (C>T on the coding strand, the complement: RPGR is on the minus strand). VCF-style: chrX-38297332-G-A. GRCh37 (hg19) VCF-style: chrX-38156585-G-A.
Other names: c.1366C>T, p.Gln456Ter (NM_000328.3, NM_001367247.1); c.1363C>T, p.Gln455Ter (NM_001367245.1, NM_001367249.1, NM_001367250.1); c.1180C>T, p.Gln394Ter (NM_001367246.1, NM_001367251.1); c.1396C>T, p.Gln466Ter (NM_001367248.1); short protein forms Q456*, Q455*, Q466*, Q394*.
Identifiers: ClinVar variation 406540 (VCV000406540.21), dbSNP rs1060501181, ClinGen allele CA16616540.

ClinVar aggregate classification (germline): Pathogenic. Review status: criteria provided, multiple submitters, no conflicts (2 of 4 stars). 3 submissions from 3 submitters: Pathogenic (3). Last evaluated 2022-07-27.

Conditions:
RPGR-related disorder. Also called: RPGR-related condition.
Primary ciliary dyskinesia. Also called: Ciliary dyskinesia. Identifiers: Orphanet 244, MedGen C0008780, MONDO:0016575, HP:0012265.
Retinitis pigmentosa 3. Also called: CHOROIDORETINAL DEGENERATION WITH RETINAL REFLEX IN HETEROZYGOUS WOMEN. Identifiers: Orphanet 791, MedGen C1845667, MONDO:0010227, OMIM 300029.

Submissions (3):

Blueprint Genetics
Classification: Pathogenic for RPGR-related disorders. Last evaluated: 2022-07-27. Review status: criteria provided, single submitter. Criteria: ACMG Guidelines, 2015. Collection method: clinical testing. Allele origin: germline. Affected: yes. Observed: 3 variant alleles.

Labcorp Genetics (formerly Invitae), Labcorp
Classification: Pathogenic for Primary ciliary dyskinesia. Last evaluated: 2022-07-25. Review status: criteria provided, single submitter. Criteria: Invitae Variant Classification Sherloc (09022015). Collection method: clinical testing. Allele origin: germline.
Comment: For these reasons, this variant has been classified as Pathogenic. Algorithms developed to predict the effect of sequence changes on RNA splicing suggest that this variant may disrupt the consensus splice site. ClinVar contains an entry for this variant (Variation ID: 406540). This variant has not been reported in the literature in individuals affected with RPGR-related conditions. This variant is not present in population databases (gnomAD no frequency). This sequence change creates a premature translational stop signal (p.Gln456*) in the RPGR gene. It is expected to result in an absent or disrupted protein product. Loss-of-function variants in RPGR are known to be pathogenic (PMID: 16055928, 16969763).

DBGen Ocular Genomics
Classification: Pathogenic for Retinitis pigmentosa 3. Last evaluated: 2021-06-23. Review status: criteria provided, single submitter. Criteria: ACMG Guidelines, 2015. Collection method: clinical testing. Allele origin: germline. Affected: yes. Observed: 1 variant allele.

Literature cited by the submitters: PubMed 16055928 (cited by Labcorp Genetics (formerly Invitae), Labcorp); PubMed 16969763 (cited by Labcorp Genetics (formerly Invitae), Labcorp).